The following is an entry in ClinVar:

ClinVar aggregate classification (germline): Uncertain significance (1 of 4 stars; one submission).

Allele frequency attached by ClinVar (database versions not stated): ExAC 0.00001; gnomAD exomes 0.00001; gnomAD 0.00002; TOPMed 0.00003.
gnomAD v4.1: 60 of 1,613,844 alleles (0.0037%); highest among the groups gnomAD compares: Non-Finnish European, 0.0048%; no homozygotes.

Submission:

Labcorp Genetics (formerly Invitae), Labcorp
Classification: Uncertain significance. Last evaluated: 2024-11-11. Review status: criteria provided, single submitter. Criteria: Invitae Variant Classification Sherloc (09022015). Collection method: clinical testing. Allele origin: germline.
Comment: This sequence change replaces alanine, which is neutral and non-polar, with threonine, which is neutral and polar, at codon 97 of the SLC7A14 protein (p.Ala97Thr). This variant is present in population databases (rs750600837, gnomAD 0.003%). This variant has not been reported in the literature in individuals affected with SLC7A14-related conditions. ClinVar contains an entry for this variant (Variation ID: 1376470). An algorithm developed to predict the effect of missense changes on protein structure and function (PolyPhen-2) suggests that this variant is likely to be disruptive. In summary, the available evidence is currently insufficient to determine the role of this variant in disease. Therefore, it has been classified as a Variant of Uncertain Significance.

NM_020949.3(SLC7A14):c.289G>A (p.Ala97Thr)

Genes: SLC7A14 (solute carrier family 7 member 14; minus strand), SLC7A14-AS1 (SLC7A14 antisense RNA 1; plus strand). Cytogenetic location: 3q26.2.
Variant type: single nucleotide variant.
Coding change: c.289G>A on transcript NM_020949.3 (MANE Select); coding-DNA position 289, G replaced by A.
Protein change: p.Ala97Thr; replaces alanine 97 with threonine.
Molecular consequence: missense variant.
Genome position (GRCh38, 1-based): chr3:170,526,648, C>T on the plus strand (G>A on the coding strand, the complement: SLC7A14 is on the minus strand). VCF-style: chr3-170526648-C-T. GRCh37 (hg19) VCF-style: chr3-170244437-C-T.
Other names: short protein forms A97T.
Identifiers: ClinVar variation 1376470 (VCV001376470.6), dbSNP rs750600837, ClinGen allele CA2701975.
Genomic context (GRCh38, chr3:170,526,648, plus strand): 5'-GGTAAGCACACTTTCCACAGTACTTCCCTGCATGGAGACACTTACCTGATAATATGGATG[C>T]GACGGCTGCAATGATGAAGGACACAATGACACCAGGTCCTGCCATTTCCTTGGCCACCAG-3'
Protein context (NP_066000.2, residues 87-107): VIVSFIIAAV[Ala97Thr]SILSGVCYAE